The following is an entry in ClinVar:

ClinVar aggregate classification (germline): Uncertain significance (1 of 4 stars; one submission).

Allele frequency attached by ClinVar (database versions not stated): gnomAD 0.00001; gnomAD exomes 0.00001; TOPMed 0.00001; ExAC 0.00002.
gnomAD v4.1: 16 of 1,613,390 alleles (0.00099%); highest among the groups gnomAD compares: Non-Finnish European, 0.000085%; no homozygotes.

Submission:

Labcorp Genetics (formerly Invitae), Labcorp
Classification: Uncertain significance. Last evaluated: 2023-09-21. Review status: criteria provided, single submitter. Criteria: Invitae Variant Classification Sherloc (09022015). Collection method: clinical testing. Allele origin: germline.
Comment: This sequence change replaces leucine, which is neutral and non-polar, with proline, which is neutral and non-polar, at codon 704 of the GRM6 protein (p.Leu704Pro). This variant is present in population databases (rs769552374, gnomAD 0.03%). This variant has not been reported in the literature in individuals affected with GRM6-related conditions. Advanced modeling of protein sequence and biophysical properties (such as structural, functional, and spatial information, amino acid conservation, physicochemical variation, residue mobility, and thermodynamic stability) performed at Invitae indicates that this missense variant is expected to disrupt GRM6 protein function. In summary, the available evidence is currently insufficient to determine the role of this variant in disease. Therefore, it has been classified as a Variant of Uncertain Significance.

NM_000843.4(GRM6):c.2111T>C (p.Leu704Pro)

Genes: ZNF454 (zinc finger protein 454; plus strand), GRM6 (glutamate metabotropic receptor 6; minus strand). Cytogenetic location: 5q35.3.
Variant type: single nucleotide variant.
Coding change: c.2111T>C on transcript NM_000843.4 (MANE Select); coding-DNA position 2111, T replaced by C.
Protein change: p.Leu704Pro; replaces leucine 704 with proline.
Molecular consequence: missense variant.
Genome position (GRCh38, 1-based): chr5:178,986,143, A>G on the plus strand (T>C on the coding strand, the complement: GRM6 is on the minus strand). VCF-style: chr5-178986143-A-G. GRCh37 (hg19) VCF-style: chr5-178413144-A-G.
Other names: short protein forms L704P.
Identifiers: ClinVar variation 2853799 (VCV002853799.3), dbSNP rs769552374, ClinGen allele CA3593826.